The following is an entry in ClinVar:

NM_207361.6(FREM2):c.3737del (p.Thr1246fs)

Gene: FREM2 (FRAS1 related extracellular matrix 2; plus strand). Cytogenetic location: 13q13.3.
Variant type: Deletion.
Coding change: c.3737del on transcript NM_207361.6 (MANE Select); coding-DNA position 3737, one base deleted (C; older notation c.3737delC).
Protein change: p.Thr1246fs; shifts the reading frame from threonine 1246.
Molecular consequence: frameshift variant.
Genome position (GRCh38, 1-based): chr13:38,691,081, C deleted. VCF-style (leftmost placement, unchanged base first): chr13-38691080-AC-A. GRCh37 (hg19) VCF-style: chr13-39265217-AC-A.
Other names: short protein forms T1246fs.
Identifiers: ClinVar variation 3382229 (VCV003382229.2).

ClinVar aggregate classification (germline): Likely pathogenic (1 of 4 stars; one submission).

Conditions:
Isolated cryptophthalmia. Also called: ANKYLOBLEPHARON, SIMPLE; Cryptophthalmos, unilateral or bilateral, isolated. Identifiers: Orphanet 91396, MedGen C1852453, MONDO:0007410, OMIM 123570.
Fraser syndrome 2 (FRASRS2). Identifiers: MedGen C4540036, MONDO:0054738, OMIM 617666.

Submission:

Juno Genomics, Hangzhou Juno Genomics, Inc
Classification: Likely pathogenic for Isolated cryptophthalmia; Fraser syndrome 2. Review status: criteria provided, single submitter. Criteria: ACMG Guidelines, 2015. Collection method: clinical testing. Allele origin: germline. Affected: yes.
Comment: Absent from controls (or at extremely low frequency if recessive) in Genome Aggregation Database, Exome Sequencing Project, 1000 Genomes Project, or Exome Aggregation Consortium.;Null variant in a gene where loss of function (LOF) is a known mechanism of disease.